The following is an entry in ClinVar:

NM_006086.4(TUBB3):c.551A>G (p.Asn184Ser)

Gene: TUBB3 (tubulin beta 3 class III; plus strand). Cytogenetic location: 16q24.3.
Variant type: single nucleotide variant.
Coding change: c.551A>G on transcript NM_006086.4 (MANE Select); coding-DNA position 551, A replaced by G.
Protein change: p.Asn184Ser; replaces asparagine 184 with serine.
Molecular consequence: missense variant.
Genome position (GRCh38, 1-based): chr16:89,935,002, A>G. VCF-style: chr16-89935002-A-G. GRCh37 (hg19) VCF-style: chr16-90001410-A-G.
Other names: c.335A>G, p.Asn112Ser (NM_001197181.2); short protein forms N112S, N184S.
Identifiers: ClinVar variation 3906514 (VCV003906514.1).
Genomic context (GRCh38, chr16:89,935,002, plus strand): 5'-TGAACACCTTCAGCGTCGTGCCCTCACCCAAGGTGTCAGACACGGTGGTGGAGCCCTACA[A>G]CGCCACGCTGTCCATCCACCAGCTGGTGGAGAACACGGATGAGACCTACTGCATCGACAA-3'
Protein context (NP_006077.2, residues 174-194): KVSDTVVEPY[Asn184Ser]ATLSIHQLVE

ClinVar aggregate classification (germline): Likely pathogenic (1 of 4 stars; one submission).

Submission:

GeneDx
Classification: Likely pathogenic. Last evaluated: 2024-12-18. Review status: criteria provided, single submitter. Criteria: GeneDx Variant Classification Process June 2021. Collection method: clinical testing. Allele origin: germline. Affected: yes.
Comment: Not observed at significant frequency in large population cohorts (gnomAD); Missense variants in this gene are a common cause of disease and they are underrepresented in the general population; In silico analysis supports that this missense variant has a deleterious effect on protein structure/function; Has not been previously published as pathogenic or benign to our knowledge; This variant is associated with the following publications: (PMID: 20829227)